The following is an entry in ClinVar:

ClinVar aggregate classification (germline): Pathogenic/Likely pathogenic. Review status: criteria provided, multiple submitters, no conflicts (2 of 4 stars). 3 submissions from 3 submitters: Pathogenic (1); Likely pathogenic (2). Last evaluated 2022-07-05.

Conditions:
Actin accumulation myopathy (CMYO2A). Also called: Nemaline myopathy type 3; Myopathy, actin, congenital, with excess of thin myofilaments; CONGENITAL MYOPATHY 2A, TYPICAL, AUTOSOMAL DOMINANT; Myopathy, actin, congenital, with cores; Nemaline myopathy 3, with intranuclear rods. Identifiers: Orphanet 98904, MedGen C3711389, MONDO:0008070, OMIM 161800.

Submissions (3):

Labcorp Genetics (formerly Invitae), Labcorp
Classification: Pathogenic for Actin accumulation myopathy. Last evaluated: 2022-07-05. Review status: criteria provided, single submitter. Criteria: Invitae Variant Classification Sherloc (09022015). Collection method: clinical testing. Allele origin: germline.
Comment: This sequence change replaces glycine, which is neutral and non-polar, with serine, which is neutral and polar, at codon 160 of the ACTA1 protein (p.Gly160Ser). This variant is not present in population databases (gnomAD no frequency). This missense change has been observed in individual(s) with autosomal dominant ACTA1-related conditions (PMID: 25326635, 31724238). In at least one individual the variant was observed to be de novo. ClinVar contains an entry for this variant (Variation ID: 420707). Advanced modeling of protein sequence and biophysical properties (such as structural, functional, and spatial information, amino acid conservation, physicochemical variation, residue mobility, and thermodynamic stability) performed at Invitae indicates that this missense variant is expected to disrupt ACTA1 protein function. Algorithms developed to predict the effect of sequence changes on RNA splicing suggest that this variant may create or strengthen a splice site. This variant disrupts the p.Gly160 amino acid residue in ACTA1. Other variant(s) that disrupt this residue have been observed in individuals with ACTA1-related conditions (PMID: 19562689), which suggests that this may be a clinically significant amino acid residue. For these reasons, this variant has been classified as Pathogenic.

GeneDx
Classification: Likely pathogenic. Last evaluated: 2016-03-15. Review status: criteria provided, single submitter. Criteria: GeneDx Variant Classification (06012015). Collection method: clinical testing. Allele origin: germline. Affected: yes.
Comment: The G160S variant in the ACTA1 gene has not been reported previously as a pathogenic variant, nor as a benign variant, to our knowledge. However, a missense pathogenic variant at this same codon (G160C), as well as missense pathogenic variants in neighboring codons (D156N, H163D, V165L, V165M), have been reported in the Human Gene Mutation Database in association with ACTA1-related disorders (Stenson et al., 2014), supporting the functional importance of this region of the protein. The G160S variant was not observed in approximately 6500 individuals of European and African American ancestry in the NHLBI Exome Sequencing Project, indicating it is not a common benign variant in these populations. The G160S variant is a non-conservative amino acid substitution, which is likely to impact secondary protein structure as these residues differ in polarity, charge, size and/or other properties. This substitution occurs at a position that is conserved across species. In silico analysis predicts this variant is probably damaging to the protein structure/function. The G160S variant is a strong candidate for a pathogenic variant.

Baylor Genetics
Classification: Likely pathogenic for Actin accumulation myopathy. Review status: criteria provided, single submitter. Criteria: ACMG Guidelines, 2015. Collection method: clinical testing. Allele origin: unknown.

Literature cited by the submitters: PubMed 25326635 (cited by Labcorp Genetics (formerly Invitae), Labcorp and Baylor Genetics); PubMed 31724238 (cited by Labcorp Genetics (formerly Invitae), Labcorp); PubMed 19562689 (cited by Labcorp Genetics (formerly Invitae), Labcorp).

NM_001100.4(ACTA1):c.478G>A (p.Gly160Ser)

Gene: ACTA1 (actin alpha 1, skeletal muscle; minus strand). Cytogenetic location: 1q42.13.
Variant type: single nucleotide variant.
Coding change: c.478G>A on transcript NM_001100.4 (MANE Select); coding-DNA position 478, G replaced by A.
Protein change: p.Gly160Ser; replaces glycine 160 with serine.
Molecular consequence: missense variant.
Genome position (GRCh38, 1-based): chr1:229,432,408, C>T on the plus strand (G>A on the coding strand, the complement: ACTA1 is on the minus strand). VCF-style: chr1-229432408-C-T. GRCh37 (hg19) VCF-style: chr1-229568155-C-T.
Other names: short protein forms G160S.
Identifiers: ClinVar variation 420707 (VCV000420707.12), dbSNP rs1064794652, ClinGen allele CA16617085.